The following is an entry in ClinVar:

ClinVar aggregate classification (germline): Conflicting classifications of pathogenicity. Review status: criteria provided, conflicting classifications (1 of 4 stars). 9 submissions from 9 submitters: Uncertain significance (8); Likely benign (1). Last evaluated 2025-12-03.

Conditions:
Hereditary cancer-predisposing syndrome. Also called: Hereditary neoplastic syndrome; Neoplastic Syndromes, Hereditary; Tumor predisposition; Hereditary Cancer Syndrome. Identifiers: Orphanet 140162, MedGen C0027672, MeSH D009386, MONDO:0015356.
Hereditary breast ovarian cancer syndrome. Also called: Hereditary breast and ovarian cancer syndrome (HBOC); Breast and ovarian cancer; Hereditary breast and ovarian cancer syndrome; Hereditary breast and ovarian cancer; Hereditary breast and/or ovarian cancer syndrome; BRCA1- and BRCA2-Associated Hereditary Breast and Ovarian Cancer. Identifiers: Orphanet 145, MedGen C0677776, MeSH D061325, MONDO:0003582. Disease mechanism: loss of function.
Breast-ovarian cancer, familial, susceptibility to, 2 (BROVCA2). Also called: BRCA2 Hereditary Breast and Ovarian Cancer. Identifiers: Orphanet 145, MedGen C2675520, MONDO:0012933, OMIM 612555. Disease mechanism: loss of function.

Allele frequency attached by ClinVar (database versions not stated): gnomAD exomes below 0.00001 and 0.00001; TOPMed below 0.00001; gnomAD 0.00001.
gnomAD v4.1: 3 of 1,612,276 alleles (0.00019%); highest among the groups gnomAD compares: Admixed American, 0.0017%; no homozygotes.

Submissions (9):

Labcorp Genetics (formerly Invitae), Labcorp
Classification: Uncertain significance for Hereditary breast ovarian cancer syndrome. Last evaluated: 2025-12-03. Review status: criteria provided, single submitter. Criteria: Invitae Variant Classification Sherloc (09022015). Collection method: clinical testing. Allele origin: germline.
Comment: This sequence change replaces tyrosine, which is neutral and polar, with aspartic acid, which is acidic and polar, at codon 1762 of the BRCA2 protein (p.Tyr1762Asp). This variant is present in population databases (no rsID available, gnomAD 0.003%). This missense change has been observed in individual(s) with breast cancer and/or Lynch syndrome (PMID: 25980754, 35264596). ClinVar contains an entry for this variant (Variation ID: 482984). Invitae Evidence Modeling of protein sequence and biophysical properties (such as structural, functional, and spatial information, amino acid conservation, physicochemical variation, residue mobility, and thermodynamic stability) indicates that this missense variant is not expected to disrupt BRCA2 protein function with a negative predictive value of 95%. In summary, the available evidence is currently insufficient to determine the role of this variant in disease. Therefore, it has been classified as a Variant of Uncertain Significance.

Quest Diagnostics Nichols Institute San Juan Capistrano
Classification: Uncertain significance. Last evaluated: 2025-07-02. Review status: criteria provided, single submitter. Criteria: Quest Diagnostics criteria. Collection method: clinical testing. Allele origin: unknown.
Comment: The BRCA2 c.5284T>G (p.Tyr1762Asp) variant has been reported in the published literature in individuals with breast cancer (PMID: 35264596 (2022)) and a Lynch syndrome associated cancer and/or polyps (PMID: 25980754 (2015)). This variant has also been reported to be located in a region of the BRCA2 gene that is tolerant to missense sequence changes (PMID: 31911673 (2020)). The frequency of this variant in the general population (Genome Aggregation Database) is uninformative in the assessment of its pathogenicity. Analysis of this variant using bioinformatics tools for the prediction of the effect of amino acid changes on protein structure and function yielded predictions that this variant is benign. Based on the available information, we are unable to determine the clinical significance of this variant.

Ambry Genetics
Classification: Uncertain significance for Hereditary cancer-predisposing syndrome. Last evaluated: 2025-04-22. Review status: criteria provided, single submitter. Criteria: Ambry Variant Classification Scheme 2023. Collection method: clinical testing. Allele origin: germline.
Comment: The p.Y1762D variant (also known as c.5284T>G), located in coding exon 10 of the BRCA2 gene, results from a T to G substitution at nucleotide position 5284. The tyrosine at codon 1762 is replaced by aspartic acid, an amino acid with highly dissimilar properties. This variant was detected once in a cohort of 1663 Brazilian breast cancer patients who underwent hereditary multigene panel testing (Guindalini RSC et al. Sci Rep, 2022 Mar;12:4190). This amino acid position is not well conserved in available vertebrate species. In addition, the in silico prediction for this alteration is inconclusive. Based on the available evidence, the clinical significance of this variant remains unclear.

GeneDx
Classification: Uncertain significance. Last evaluated: 2024-12-05. Review status: criteria provided, single submitter. Criteria: GeneDx Variant Classification Process June 2021. Collection method: clinical testing. Allele origin: germline. Affected: yes.
Comment: Not observed at significant frequency in large population cohorts (gnomAD); In silico analysis supports that this missense variant has a deleterious effect on protein structure/function; Also known as 5512T>G; This variant is associated with the following publications: (PMID: 25980754, 35264596, 29884841, 32377563)

University of Washington Department of Laboratory Medicine, University of Washington
Classification: Likely benign for Hereditary cancer-predisposing syndrome. Last evaluated: 2023-03-23. Review status: criteria provided, single submitter. Criteria: Dines et al. (Genet Med. 2020). Collection method: curation. Allele origin: germline.
Comment: Missense variant in a coldspot region where missense variants are very unlikely to be pathogenic (PMID:31911673).

BRCA2 exon 11 coldspot. Reclassification based on statistical prior probability.

Sema4
Classification: Uncertain significance for Hereditary cancer-predisposing syndrome. Last evaluated: 2021-11-01. Review status: criteria provided, single submitter. Criteria: Sema4 Curation Guidelines. Collection method: curation. Allele origin: germline.
Comment: The BRCA2 c.5284T>G (p.Y1762D) variant has been reported in at least one individual with a Lynch syndrome-associated cancer and/or colon polyps; this individual also carries a pathogenic variant in APC (PMID: 25980754). It was observed in 1/34476 chromosomes of the Latino subpopulation in the large and broad cohorts of the Genome Aggregation Database (PMID: 32461654). The variant has been reported in ClinVar (Variation ID: 482984). Functional studies have not been performed, and in silico predictions of the variant's effect on protein function are inconclusive. The evidence is insufficient to meet ACMG/AMP criteria for classifying the variant as benign or pathogenic. Thus, the clinical significance of this variant is currently uncertain.

Baylor Genetics
Classification: Uncertain significance for Breast-ovarian cancer, familial, susceptibility to, 2. Last evaluated: 2021-02-09. Review status: criteria provided, single submitter. Criteria: ACMG Guidelines, 2015. Collection method: clinical testing. Allele origin: maternal. Affected: yes. Study: CSER-TexasKidsCanSeq.
Comment: This variant was determined to be of uncertain significance according to ACMG Guidelines, 2015 [PMID:25741868].

Mendelics
Classification: Uncertain significance for Breast-ovarian cancer, familial, susceptibility to, 2. Last evaluated: 2019-05-28. Review status: criteria provided, single submitter. Criteria: Mendelics Assertion Criteria 2017. Collection method: clinical testing. Allele origin: unknown.

Color Diagnostics, LLC DBA Color Health
Classification: Uncertain significance for Hereditary cancer-predisposing syndrome. Last evaluated: 2019-05-01. Review status: criteria provided, single submitter. Criteria: ACMG Guidelines, 2015. Collection method: clinical testing. Allele origin: germline.

Literature cited by the submitters: PubMed 25980754 (cited by 3 submitters); PubMed 35264596 (cited by 3 submitters); PubMed 31911673 (cited by Quest Diagnostics Nichols Institute San Juan Capistrano).

NM_000059.4(BRCA2):c.5284T>G (p.Tyr1762Asp)

Gene: BRCA2 (BRCA2 DNA repair associated; plus strand). Cytogenetic location: 13q13.1.
Variant type: single nucleotide variant.
Coding change: c.5284T>G on transcript NM_000059.4 (MANE Select); coding-DNA position 5284, T replaced by G.
Protein change: p.Tyr1762Asp; replaces tyrosine 1762 with aspartic acid.
Molecular consequence: missense variant.
Genome position (GRCh38, 1-based): chr13:32,339,639, T>G. VCF-style: chr13-32339639-T-G. GRCh37 (hg19) VCF-style: chr13-32913776-T-G.
Other names: short protein forms Y1762D.
Identifiers: ClinVar variation 482984 (VCV000482984.32), dbSNP rs1192019733, ClinGen allele CA387784769.